The following is an entry in ClinVar:

ClinVar aggregate classification (germline): Uncertain significance (1 of 4 stars; one submission).

Conditions:
Norman-Roberts syndrome (LIS2). Also called: Lissencephaly 2 (Norman-Roberts type). Identifiers: Orphanet 89844, MedGen C0796089, MONDO:0009760, OMIM 257320.
Familial temporal lobe epilepsy 7. Identifiers: Orphanet 101046, MedGen C4225327, MONDO:0014639, OMIM 616436.

Submission:

Labcorp Genetics (formerly Invitae), Labcorp
Classification: Uncertain significance for Familial temporal lobe epilepsy 7; Norman-Roberts syndrome. Last evaluated: 2024-05-06. Review status: criteria provided, single submitter. Criteria: Invitae Variant Classification Sherloc (09022015). Collection method: clinical testing. Allele origin: germline.
Comment: This sequence change replaces serine, which is neutral and polar, with arginine, which is basic and polar, at codon 1669 of the RELN protein (p.Ser1669Arg). This variant is not present in population databases (gnomAD no frequency). This variant has not been reported in the literature in individuals affected with RELN-related conditions. Advanced modeling of protein sequence and biophysical properties (such as structural, functional, and spatial information, amino acid conservation, physicochemical variation, residue mobility, and thermodynamic stability) performed at Invitae indicates that this missense variant is not expected to disrupt RELN protein function with a negative predictive value of 80%. In summary, the available evidence is currently insufficient to determine the role of this variant in disease. Therefore, it has been classified as a Variant of Uncertain Significance.

NM_005045.4(RELN):c.5007C>G (p.Ser1669Arg)

Gene: RELN (reelin; minus strand). Cytogenetic location: 7q22.1.
Variant type: single nucleotide variant.
Coding change: c.5007C>G on transcript NM_005045.4 (MANE Select); coding-DNA position 5007, C replaced by G.
Protein change: p.Ser1669Arg; replaces serine 1669 with arginine.
Molecular consequence: missense variant.
Genome position (GRCh38, 1-based): chr7:103,565,481, G>C on the plus strand (C>G on the coding strand, the complement: RELN is on the minus strand). VCF-style: chr7-103565481-G-C. GRCh37 (hg19) VCF-style: chr7-103205928-G-C.
Other names: c.5007C>G, p.Ser1669Arg (NM_173054.3); short protein forms S1669R.
Identifiers: ClinVar variation 3748835 (VCV003748835.2).